The following is an entry in ClinVar:

NM_001999.4(FBN2):c.7963G>A (p.Glu2655Lys)

Gene: FBN2 (fibrillin 2; minus strand). Cytogenetic location: 5q23.3.
Variant type: single nucleotide variant.
Coding change: c.7963G>A on transcript NM_001999.4 (MANE Select); coding-DNA position 7963, G replaced by A.
Protein change: p.Glu2655Lys; replaces glutamic acid 2655 with lysine.
Molecular consequence: missense variant.
Genome position (GRCh38, 1-based): chr5:128,263,654, C>T on the plus strand (G>A on the coding strand, the complement: FBN2 is on the minus strand). VCF-style: chr5-128263654-C-T. GRCh37 (hg19) VCF-style: chr5-127599346-C-T.
Other names: short protein forms E2655K.
Identifiers: ClinVar variation 264359 (VCV000264359.8), dbSNP rs753526426, ClinGen allele CA3393958.

ClinVar aggregate classification (germline): Uncertain significance. Review status: criteria provided, multiple submitters, no conflicts (2 of 4 stars). 3 submissions from 3 submitters: Uncertain significance (3). Last evaluated 2025-08-20.

Conditions:
Ehlers-Danlos syndrome (EDS). Identifiers: Orphanet 98249, MedGen C0013720, MONDO:0020066.
Familial thoracic aortic aneurysm and aortic dissection (TAAD). Also called: Thoracic aortic aneurysms and dissections. Identifiers: Orphanet 91387, MedGen C4707243, MONDO:0019625.
Congenital contractural arachnodactyly (CCA). Also called: BEALS SYNDROME; Beals-Hecht syndrome; Arthrogryposis, distal, type 9. Identifiers: Orphanet 115, MedGen C0220668, MONDO:0007363, OMIM 121050.

Allele frequency attached by ClinVar (database versions not stated): ExAC 0.00001; gnomAD exomes 0.00001; TOPMed 0.00005; gnomAD 0.00006.
gnomAD v4.1: 17 of 1,608,850 alleles (0.0011%); highest among the groups gnomAD compares: African/African-American, 0.02%; no homozygotes.

Submissions (3):

Ambry Genetics
Classification: Uncertain significance for Familial thoracic aortic aneurysm and aortic dissection. Last evaluated: 2025-08-20. Review status: criteria provided, single submitter. Criteria: Ambry Variant Classification Scheme 2023. Collection method: clinical testing. Allele origin: germline.
Comment: The p.E2655K variant (also known as c.7963G>A), located in coding exon 63 of the FBN2 gene, results from a G to A substitution at nucleotide position 7963. The glutamic acid at codon 2655 is replaced by lysine, an amino acid with similar properties. This amino acid position is highly conserved in available vertebrate species. In addition, this alteration is predicted to be deleterious by in silico analysis. Based on the available evidence, the clinical significance of this variant remains unclear.

Labcorp Genetics (formerly Invitae), Labcorp
Classification: Uncertain significance for Congenital contractural arachnodactyly. Last evaluated: 2025-05-13. Review status: criteria provided, single submitter. Criteria: Invitae Variant Classification Sherloc (09022015). Collection method: clinical testing. Allele origin: germline.
Comment: This sequence change replaces glutamic acid, which is acidic and polar, with lysine, which is basic and polar, at codon 2655 of the FBN2 protein (p.Glu2655Lys). This variant is present in population databases (rs753526426, gnomAD 0.02%). This variant has not been reported in the literature in individuals affected with FBN2-related conditions. ClinVar contains an entry for this variant (Variation ID: 264359). An algorithm developed to predict the effect of missense changes on protein structure and function (PolyPhen-2) suggests that this variant is likely to be tolerated. In summary, the available evidence is currently insufficient to determine the role of this variant in disease. Therefore, it has been classified as a Variant of Uncertain Significance.

Genome Diagnostics Laboratory, The Hospital for Sick Children
Classification: Uncertain significance for Ehlers-Danlos syndrome. Last evaluated: 2020-02-01. Review status: criteria provided, single submitter. Criteria: ACMG Guidelines, 2015. Collection method: clinical testing. Allele origin: germline.